The following is an entry in ClinVar:

NM_015978.3(TNNI3K):c.2011+1G>A

Genes: FPGT-TNNI3K (FPGT-TNNI3K readthrough; plus strand), TNNI3K (TNNI3 interacting kinase; plus strand). Cytogenetic location: 1p31.1.
Variant type: single nucleotide variant.
Coding change: c.2011+1G>A on transcript NM_015978.3 (MANE Select); the canonical splice donor site of the intron after coding-DNA position 2011, G replaced by A.
Molecular consequence: splice donor variant.
Genome position (GRCh38, 1-based): chr1:74,439,623, G>A. VCF-style: chr1-74439623-G-A. GRCh37 (hg19) VCF-style: chr1-74905307-G-A.
Other names: c.2314+1G>A (NM_001112808.3, NM_001199327.2).
Identifiers: ClinVar variation 3012852 (VCV003012852.3), dbSNP rs1170010106, ClinGen allele CA340790089.

ClinVar aggregate classification (germline): Uncertain significance (1 of 4 stars; one submission).

Allele frequency attached by ClinVar (database versions not stated): gnomAD exomes below 0.00001; TOPMed below 0.00001; gnomAD 0.00001.
gnomAD v4.1: 2 of 1,612,844 alleles (0.00012%); highest among the groups gnomAD compares: African/African-American, 0.0027%; no homozygotes.

Submission:

Labcorp Genetics (formerly Invitae), Labcorp
Classification: Uncertain significance. Last evaluated: 2024-07-01. Review status: criteria provided, single submitter. Criteria: Invitae Variant Classification Sherloc (09022015). Collection method: clinical testing. Allele origin: germline.
Comment: This sequence change affects a donor splice site in intron 20 of the TNNI3K gene. It is expected to disrupt RNA splicing. Variants that disrupt the donor or acceptor splice site typically lead to a loss of protein function (PMID: 16199547), however the current clinical and genetic evidence is not sufficient to establish whether loss-of-function variants in TNNI3K cause disease. This variant is not present in population databases (gnomAD no frequency). This variant has not been reported in the literature in individuals affected with TNNI3K-related conditions. Algorithms developed to predict the effect of sequence changes on RNA splicing suggest that this variant may disrupt the consensus splice site. In summary, the available evidence is currently insufficient to determine the role of this variant in disease. Therefore, it has been classified as a Variant of Uncertain Significance.

Literature cited by the submitters: PubMed 16199547.